The following is an entry in ClinVar:

NM_014252.4(SLC25A15):c.326_452+374del

Gene: SLC25A15 (solute carrier family 25 member 15; plus strand). Cytogenetic location: 13q14.11.
Variant type: Deletion.
Coding change: c.326_452+374del on transcript NM_014252.4 (MANE Select); coding-DNA position 326 through 374 bases into the intron after coding-DNA position 452, 501 bases deleted.
Molecular consequence: splice donor variant.
Genome position (GRCh38, 1-based): chr13:40,805,129-40,805,629, 501 bases deleted. GRCh37 (hg19): chr13:41,379,265-41,379,765.
Identifiers: ClinVar variation 2028863 (VCV002028863.4), dbSNP rs2546920750, ClinGen allele CA2580087523.

ClinVar aggregate classification (germline): Pathogenic (1 of 4 stars; one submission).

Conditions:
Hyperornithinemia-hyperammonemia-homocitrullinuria syndrome (HHHS). Also called: Ornithine translocase deficiency; HHH SYNDROME. Identifiers: Orphanet 415, MedGen C0268540, MONDO:0009393, OMIM 238970.

Submission:

Labcorp Genetics (formerly Invitae), Labcorp
Classification: Pathogenic for Hyperornithinemia-hyperammonemia-homocitrullinuria syndrome. Last evaluated: 2022-12-23. Review status: criteria provided, single submitter. Criteria: Invitae Variant Classification Sherloc (09022015). Collection method: clinical testing. Allele origin: germline.
Comment: This variant is not present in population databases (gnomAD no frequency). This variant results in the deletion of part of exon 4 (c.326_452+374del) of the SLC25A15 gene. It is expected to disrupt RNA splicing. Variants that disrupt the donor or acceptor splice site typically lead to a loss of protein function (PMID: 16199547), and loss-of-function variants in SLC25A15 are known to be pathogenic (PMID: 11552031, 19242930). This variant has not been reported in the literature in individuals affected with SLC25A15-related conditions. For these reasons, this variant has been classified as Pathogenic. This variant disrupts a region of the SLC25A15 protein in which other variant(s) (p.Gly113Cys) have been determined to be pathogenic (PMID: 16601889, 19242930, 26589310, 30243302). This suggests that this is a clinically significant region of the protein, and that variants that disrupt it are likely to be disease-causing.

Literature cited by the submitters: PubMed 16199547; PubMed 11552031; PubMed 19242930; PubMed 16601889; PubMed 26589310; PubMed 30243302.